The following is an entry in ClinVar:

ClinVar aggregate classification (germline): Conflicting classifications of pathogenicity. Review status: criteria provided, conflicting classifications (1 of 4 stars). 4 submissions from 4 submitters: Uncertain significance (1); Likely benign (2). 1 of the submissions does not count toward it. Last evaluated 2026-04-01.

Conditions:
ERCC6-related disorder. Also called: ERCC6-related disorders; ERCC6-related condition. Identifiers: MedGen CN239385.

Allele frequency attached by ClinVar (database versions not stated): 1000 Genomes Project 0.00040; ESP Exome Variant Server 0.00046; 1000 Genomes Project 30x 0.00047; gnomAD 0.00080; ExAC 0.00105; TOPMed 0.00133.
gnomAD v4.1: 1,937 of 1,614,120 alleles (0.12%); highest among the groups gnomAD compares: Admixed American, 0.17%; 3 homozygotes.

Submissions (4):

CeGaT Center for Human Genetics Tuebingen
Classification: Likely benign. Last evaluated: 2026-04-01. Review status: criteria provided, single submitter. Criteria: CeGaT Center For Human Genetics Tuebingen Variant Classification Criteria Version 2. Collection method: clinical testing. Allele origin: germline. Affected: yes. Observed: 1 variant allele.
Comment: ERCC6: BP4

Ambry Genetics
Classification: Uncertain significance. Last evaluated: 2025-09-28. Review status: criteria provided, single submitter. Criteria: Ambry Variant Classification Scheme 2023. Collection method: clinical testing. Allele origin: germline.

Blueprint Genetics
Classification: Likely benign. Last evaluated: 2024-10-25. Review status: criteria provided, single submitter. Criteria: ACMG Guidelines, 2015. Collection method: clinical testing. Allele origin: germline.

PreventionGenetics, part of Exact Sciences
Classification: Likely benign for ERCC6-related condition. Last evaluated: 2022-08-30. Review status: no assertion criteria provided. Collection method: clinical testing. Allele origin: germline. Not counted in ClinVar's aggregate classification.
Comment: This variant is classified as likely benign based on ACMG/AMP sequence variant interpretation guidelines (Richards et al. 2015 PMID: 25741868, with internal and published modifications).

NM_001277058.2(ERCC6):c.1790C>T (p.Thr597Ile)

Genes: ERCC6 (ERCC excision repair 6, chromatin remodeling factor; minus strand), PGBD3 (piggyBac transposable element derived 3; minus strand). Cytogenetic location: 10q11.23.
Variant type: single nucleotide variant.
Coding change: c.1790C>T on transcript NM_001277058.2 (MANE Plus Clinical); coding-DNA position 1790, C replaced by T.
Protein change: p.Thr597Ile; replaces threonine 597 with isoleucine.
Molecular consequence: missense variant. On other transcripts: intron variant (2).
Genome position (GRCh38, 1-based): chr10:49,516,729, G>A on the plus strand (C>T on the coding strand, the complement: ERCC6 is on the minus strand). VCF-style: chr10-49516729-G-A. GRCh37 (hg19) VCF-style: chr10-50724775-G-A.
Other names: c.386C>T (NM_170753.2); c.1790C>T, p.Thr597Ile (NM_001277059.2); c.386C>T, p.Thr129Ile (NM_170753.3); c.1397+7304C>T (NM_001346440.2, NM_000124.4); short protein forms T129I, T597I.
Identifiers: ClinVar variation 3044195 (VCV003044195.6), dbSNP rs149850296, ClinGen allele CA5496249.
Genomic context (GRCh38, chr10:49,516,729, plus strand): 5'-AAAAGTTCAAGAATTTCTGTGGGAGTTCTCATTACGGTGAAGAAATCGTTTGGTGGTGCT[G>A]TAACTCTACCTGCTACGGGTTGTACAGTTAGGTCGGCTTTTTTCCATTTGCAAAGAATTT-3'
Protein context (NP_001263987.1, residues 587-607): LTVQPVAGRV[Thr597Ile]APPNDFFTVM